The following is an entry in ClinVar:

ClinVar aggregate classification (germline): Uncertain significance. Review status: criteria provided, multiple submitters, no conflicts (2 of 4 stars). 2 submissions from 2 submitters: Uncertain significance (2). Last evaluated 2025-06-02.

Allele frequency attached by ClinVar (database versions not stated): gnomAD below 0.00001 and 0.00001; ExAC 0.00001; gnomAD exomes 0.00001.
gnomAD v4.1: 8 of 1,614,018 alleles (0.0005%); highest among the groups gnomAD compares: South Asian, 0.0077%; no homozygotes.

Submissions (2):

Women's Health and Genetics/Laboratory Corporation of America, LabCorp
Classification: Uncertain significance. Last evaluated: 2025-06-02. Review status: criteria provided, single submitter. Criteria: LabCorp Variant Classification Summary - May 2015. Collection method: clinical testing. Allele origin: germline.
Comment: Variant summary: TTN c.9369T>G (p.Asp3123Glu) results in a conservative amino acid change in the encoded protein sequence. Algorithms developed to predict the effect of missense changes on protein structure and function are either unavailable or do not agree on the potential impact of this missense change. The variant allele was found at a frequency of 8e-06 in 251038 control chromosomes. The available data on variant occurrences in the general population are insufficient to allow any conclusion about variant significance. To our knowledge, no occurrence of c.9369T>G in individuals affected with Autosomal Recessive Titinopathy and no experimental evidence demonstrating its impact on protein function have been reported. ClinVar contains an entry for this variant (Variation ID: 47637). Based on the evidence outlined above, the variant was classified as uncertain significance.

Laboratory for Molecular Medicine, Mass General Brigham Personalized Medicine
Classification: Uncertain significance. Last evaluated: 2014-09-15. Review status: criteria provided, single submitter. Criteria: LMM Criteria. Collection method: clinical testing. Allele origin: germline. Observed: 2 variant alleles.
Comment: Computat ional prediction tools and conservation analysis suggest that the Asp3123Glu var iant may impact the protein, though this information is not predictive enough to determine pathogenicity. In summary, the clinical significance of the Asp3123Gl u variant is uncertain.

NM_001267550.2(TTN):c.9369T>G (p.Asp3123Glu)

Gene: TTN (titin; minus strand). Cytogenetic location: 2q31.2.
Variant type: single nucleotide variant.
Coding change: c.9369T>G on transcript NM_001267550.2 (MANE Select); coding-DNA position 9369, T replaced by G.
Protein change: p.Asp3123Glu; replaces aspartic acid 3123 with glutamic acid.
Molecular consequence: missense variant.
Genome position (GRCh38, 1-based): chr2:178,767,861, A>C on the plus strand (T>G on the coding strand, the complement: TTN is on the minus strand). VCF-style: chr2-178767861-A-C. GRCh37 (hg19) VCF-style: chr2-179632588-A-C.
Other names: c.9369T>G, p.Asp3123Glu (NM_133378.4, NM_001256850.1, NM_133379.5); c.9231T>G, p.Asp3077Glu (NM_003319.4, NM_133432.3, NM_133437.4); short protein forms D3123E, D3077E.
Identifiers: ClinVar variation 47637 (VCV000047637.6), dbSNP rs397517785, ClinGen allele CA141568.
Genomic context (GRCh38, chr2:178,767,861, plus strand): 5'-TTCTACAAAGAGTTTTGCAGTTGACACGTTGCCTCCTGCCACCACTGTGTACTTCCCAGC[A>C]TCAGACATCCGGGTGGATGGGATCAGAAGGCGGTGGACATATTTCTCCTTCTGAATCTTT-3'
Protein context (NP_001254479.2, residues 3113-3133): RLLIPSTRMS[Asp3123Glu]AGKYTVVAGG